The following continues an entry in ClinVar:

NM_007294.4(BRCA1):c.5095C>T (p.Arg1699Trp)

Gene: BRCA1. ClinVar aggregate classification (germline): Pathogenic. Pathogenic (1).

Submissions 23 to 34 of 53:

Women's Health and Genetics/Laboratory Corporation of America, LabCorp
Classification: Pathogenic for Hereditary breast ovarian cancer syndrome. Last evaluated: 2021-11-01. Review status: criteria provided, single submitter. Criteria: LabCorp Variant Classification Summary - May 2015. Collection method: clinical testing. Allele origin: germline. Not counted in ClinVar's aggregate classification.
Comment: Variant summary: BRCA1 c.5095C>T (p.Arg1699Trp) results in a non-conservative amino acid change located in the BRCT domain of the encoded protein sequence. Five of five in-silico tools predict a damaging effect of the variant on protein function. The variant allele was found at a frequency of 2.4e-05 in 251742 control chromosomes. c.5095C>T has been reported in the literature in multiple individuals affected with Hereditary Breast And Ovarian Cancer Syndrome (Vallon-Christersson_2001, Meindl_2002, Mohammadi_2009, Easton_2007, Antonucci_2016, Gao_2018, Momozawa_2018, Alhuqail_2018, Dorling_2021). These data indicate that the variant is very likely to be associated with disease. At least three publications report experimental evidence evaluating an impact on protein function (Vallon-Christersson_2001, Bouwman_2013, Coquelle_2011) . The most pronounced variant effect results in a drastic reduction in phosphopeptide binding affinity as compared to the wild-type (Coquelle_2011). Multiple clinical diagnostic laboratories, an expert panel (ENIGMA) and a consortium (CIMBA) have submitted clinical-significance assessments for this variant to ClinVar after 2014 without evidence for independent evaluation. All submitters classified the variant as pathogenic. Based on the evidence outlined above, the variant was classified as pathogenic.

Institute of Human Genetics, University of Leipzig Medical Center
Classification: Pathogenic for Breast-ovarian cancer, familial, susceptibility to, 1. Last evaluated: 2021-07-21. Review status: criteria provided, single submitter. Criteria: ACMG Guidelines, 2015. Collection method: clinical testing. Allele origin: unknown. Affected: yes. Not counted in ClinVar's aggregate classification.

GeneDx
Classification: Pathogenic. Last evaluated: 2020-11-04. Review status: criteria provided, single submitter. Criteria: GeneDx Variant Classification Process June 2021. Collection method: clinical testing. Allele origin: germline. Affected: yes. Not counted in ClinVar's aggregate classification.
Comment: Published functional studies demonstrate a damaging effect: transcription activation, homologous recombination, and protein binding support a deleterious effect (Worley 2002, Coquelle 2011, Nikolopoulos 2007, Bouwman 2013); Observed in several individuals with breast and/or ovarian cancer, including a de novo observation, and has been found to segregate with disease in at least three families (Vallon-Christersson 2001, Rhiem 2007, Spurdle 2012, Kuusisto 2013, Laraqui 2013, Zorrieh Zahra 2016, Antonucci 2017, Meisel 2017, Alhuqail 2018); Multifactorial studies suggest this variant is associated with breast cancer (Lindor 2012, Spurdle 2012); In silico analysis supports that this missense variant has a deleterious effect on protein structure/function; Also known as 5214C>T; This variant is associated with the following publications: (PMID: 15235020, 31447099, 31454914, 31472684, 30825404, 30765603, 30322717, 29712865, 29446198, 30078507, 30458859, 30103829, 30702160, 29161300, 28724667, 29907814, 28831036, 28477318, 29478780, 29625052, 29422015, 29339979, 29435075, 29297111, 29975922, 27478808, 27272900, 26681312, 26689913, 25814778, 23289006, 17924331, 25782689, 22889855, 23867111, 21990134, 21473589, 17493881, 25472942, 20516115, 18519686, 17308087, 16528612, 15133503, 15133502, 12496476, 28283652, 28281021, 24448499, 23479189, 23697973, 25948282, 25236687, 29133208, 25859162, 28651617, 27225819, 28176296, 20665887, 15290653, 15125843, 28490613, 18182601, 18835712, 14746861, 22366370, 23374397, 26843898, 23967248, 19563646, 20727672, 21356067, 11157798, 17574969, 21965345, 23231788, 24728189, 21324516, 25637381, 21520273, 21447777, 19200354, 24055113, 17305420, 28324225, 28265380, 26884819, 29348823)

Department of Molecular Diagnostics, Institute of Oncology Ljubljana
Classification: Pathogenic for Breast-ovarian cancer, familial, susceptibility to, 1. Last evaluated: 2020-04-02. Review status: criteria provided, single submitter. Criteria: ACMG Guidelines, 2015. Collection method: clinical testing. Allele origin: germline. Affected: yes. Not counted in ClinVar's aggregate classification.

GeneKor MSA
Classification: Pathogenic for Ovarian cancer. Last evaluated: 2020-01-01. Review status: criteria provided, single submitter. Criteria: ACMG Guidelines, 2015. Collection method: clinical testing. Allele origin: germline. Affected: yes. Not counted in ClinVar's aggregate classification.
Comment: This sequence change replaces Arginine with Tryptophan at codon 1699 of the BRCA1 protein (p.Arg1699Trp). The Arginine residue is highly conserved and there is a large physicochemical difference between Arginine and Tryptophan. This variant is present in population databases (ExAC, ESP) at a low frequency (rs55770810). This variant has been reported in individuals with breast and/or ovarian cancer (PMID: 22889855, 21324516, 21356067), and was shown to segregate with breast/ovarian cancer in two families (PMID: 11157798, 17574969). It was also found in trans with a pathogenic BRCA1 variant in an individual affected with Fanconi anemia (PMID: 25472942). The mutation database ClinVar contains an entry for this variant (Variation ID: 55396). Experimental studies have shown that this missense change disrupts BRCA1 binding ability and transcriptional activity (PMID: 21473589, 20516115, 17308087, 23867111). Algorithms developed to predict the effect of missense changes on protein structure and function all suggest that this variant is likely to be damaging and a multifactorial likelihood algorithm using genetic, in silico, and statistical data has determined that this variant has a very high probability of being deleterious (PMID: 17924331, 21990134).

Laboratory for Molecular Medicine, Mass General Brigham Personalized Medicine
Classification: Pathogenic for Hereditary breast ovarian cancer syndrome. Last evaluated: 2019-10-14. Review status: criteria provided, single submitter. Criteria: ACMG Guidelines, 2015. Collection method: clinical testing. Allele origin: germline. Not counted in ClinVar's aggregate classification.
Comment: The p.Arg1699Trp variant in BRCA1 is an established pathogenic variant that has been identified in multiple individuals of various ethnic backgrounds with BRCA1-associated cancer and segregrated with disease in multiple families (Vallon-Christersson 2001, Rhiem 2007, Kuusisto 2011, Zhang 2011, Spurdle 2012, Larqui 2013, Song 2014, Zahra 2016, Alemar 2017, Barrios 2017, Hirasawa 2017, Alhuqail 2018, Rebbeck 2018, Bhaskaran 2019, Concolino 2019). It was also identfied as a de novo change in 1 individual with early onset breast cancer (paternity confirmed; Antonucci 2017) and in the compound heterozygous state with a loss-of-function BRCA1 variant in an individual with breast cancer, short stature, intellectual disability, and multiple congenital anomalies (Sawyer 2015). Multiple in vitro analyses as well as multifactorial probability models are consistent with pathogenicity (Carvalho 2007, Easton 2007, Lee 2010, Coquelle 2011, Spurdle 2012, Bouwman 2013). This variant is present in 6/251242 chromosomes by gnomAD and was classified as pathogenic in ClinVar by several labories and the ClinGen-approved ENIGMA expert panel (Variation ID 55396). In summary, this variant meets criteria to be classified as pathogenic for autosomal dominant hereditary breast and ovarian cancer. ACMG/AMP Criteria applied: PS2, PS4, PP1_Strong, PM2_Supporting, PS3_Moderate, PP3.

HudsonAlpha Institute for Biotechnology
Classification: Pathogenic for Breast-ovarian cancer, familial, susceptibility to, 1. Last evaluated: 2019-01-22. Review status: criteria provided, single submitter. Criteria: ACMG Guidelines, 2015. Collection method: research. Allele origin: unknown. Observed: 1 variant allele. Study: AGHI_GT. Not counted in ClinVar's aggregate classification.

Human Genome Sequencing Center Clinical Lab, Baylor College of Medicine
Classification: Pathogenic for Familial breast-ovarian cancer 1. Last evaluated: 2018-09-27. Review status: criteria provided, single submitter. Criteria: ACMG Guidelines, 2015. Collection method: clinical testing. Allele origin: germline. Not counted in ClinVar's aggregate classification.
Comment: The c.5095C>T (p.Arg1699Trp) variant in the BRCA1 gene has been reported in multiple patients with hereditary breast and ovarian cancer (PMID 17574969, 21324516, 21356067 and 22889855). This variant is also reported in trans with p.Ser198Argfs*35 in a patient with Fanconi anemia (PMID 25472942). This variant is observed in gnomAD with low minor allele frequency (6/246072). Functional assays have shown that this change disrupts BRCA1 binding ability and transcriptional activity (PMID 11157798, 17308087 and 23867111 ). The amino acid Arg 1699 is a highly conserved residue, and the p.Arg1699Trp change is predicted to be deleterious by multiple prediction algorithms. Crystal structure analysis showed that this variant significantly reduce peptide binding through loss of contacts to the main chain of the Phe(+3) residue and a destabilization of the folding BRCT domain (PMID: 21473589). Therefore, the c.5095C>T (p.Arg1699Trp) variant in the BRCA1 gene is classified as pathogenic.

Genome Diagnostics Laboratory, University Medical Center Utrecht
Classification: Pathogenic for Breast-ovarian cancer, familial, susceptibility to, 1. Last evaluated: 2017-07-28. Review status: criteria provided, single submitter. Criteria: ACGS Guidelines, 2013. Collection method: clinical testing. Allele origin: germline. Affected: yes. Study: VKGL Data-share Consensus. Not counted in ClinVar's aggregate classification.

Bioinformatics dept., Datar Cancer Genetics Limited, India
Classification: Pathogenic for Breast-ovarian cancer, familial, susceptibility to, 1. Last evaluated: 2017-06-20. Review status: criteria provided, single submitter. Criteria: ACMG Guidelines, 2015. Collection method: clinical testing. Allele origin: germline. Inheritance: Autosomal dominant inheritance. Affected: no. Observed: 1 variant allele, 1 heterozygote. Not counted in ClinVar's aggregate classification.

Baylor Genetics
Classification: Pathogenic for Familial cancer of breast. Last evaluated: 2017-02-23. Review status: criteria provided, single submitter. Criteria: ACMG Guidelines, 2015. Collection method: clinical testing. Allele origin: germline. Inheritance: Autosomal dominant inheritance. Affected: yes. Observed: 1 variant allele. Not counted in ClinVar's aggregate classification.

Genologica Medica
Classification: Pathogenic for Breast-ovarian cancer, familial, susceptibility to, 1. Last evaluated: 2017-01-01. Review status: criteria provided, single submitter. Criteria: ACMG Guidelines, 2015. Collection method: clinical testing. Allele origin: germline. Affected: yes. Not counted in ClinVar's aggregate classification.